The following is an entry in ClinVar:

NM_000350.3(ABCA4):c.5653G>A (p.Glu1885Lys)

Gene: ABCA4 (ATP binding cassette subfamily A member 4; minus strand). Cytogenetic location: 1p22.1.
Variant type: single nucleotide variant.
Coding change: c.5653G>A on transcript NM_000350.3 (MANE Select); coding-DNA position 5653, G replaced by A.
Protein change: p.Glu1885Lys; replaces glutamic acid 1885 with lysine.
Molecular consequence: missense variant.
Genome position (GRCh38, 1-based): chr1:94,010,861, C>T on the plus strand (G>A on the coding strand, the complement: ABCA4 is on the minus strand). VCF-style: chr1-94010861-C-T. GRCh37 (hg19) VCF-style: chr1-94476417-C-T.
Other names: c.5431G>A, p.Glu1811Lys (NM_001425324.1); short protein forms E1885K, E1811K.
Identifiers: ClinVar variation 99393 (VCV000099393.3), dbSNP rs62642563, ClinGen allele CA227328.
Genomic context (GRCh38, chr1:94,010,861, plus strand): 5'-ATTGGGAGAGGAAGAAGTGGCGCTGGACCAGCAGGGTCAGGAGGAAGTACACCACCCCTT[C>T]CACCACCATGGCAAACAGGTTCTTCCCAATCAGGTCCCAGTGGAACGGATTTGCAGAGTG-3'
Protein context (NP_000341.2, residues 1875-1895): IGKNLFAMVV[Glu1885Lys]GVVYFLLTLL

ClinVar aggregate classification (germline): Conflicting classifications of pathogenicity. Review status: criteria provided, conflicting classifications (1 of 4 stars). 3 submissions from 3 submitters: Likely pathogenic (1); Uncertain significance (1). 1 of the submissions does not count toward it. Last evaluated 2026-07-14.

Conditions:
Retinal dystrophy. Also called: Inherited retinal dystrophy. Identifiers: Orphanet 71862, MedGen C0854723, MeSH D058499, MONDO:0019118, HP:0000556.
Severe early-childhood-onset retinal dystrophy (STGD1). Also called: MACULAR DYSTROPHY WITH FLECKS, TYPE 1; STGD; Stargardt disease 1; Stargardt macular dystrophy; Juvenile onset macular degeneration. Identifiers: Orphanet 364055, Orphanet 827, MedGen C1855465, MeSH D000080362, MONDO:0009549, OMIM 248200.

Submissions (3):

Institute of Human Genetics, University of Leipzig Medical Center
Classification: Likely pathogenic for Severe early-childhood-onset retinal dystrophy. Last evaluated: 2026-07-14. Review status: criteria provided, single submitter. Criteria: ACMG Guidelines, 2015. Collection method: clinical testing. Allele origin: unknown. Inheritance: Autosomal recessive inheritance. Affected: yes.
Comment: Criteria applied: PS4,PM2_SUP,PP3,PP4; Identified as compund heterozygous with NM_000350.3:c.5603A>T

Dept Of Ophthalmology, Nagoya University
Classification: Uncertain significance for Retinal dystrophy. Last evaluated: 2023-10-01. Review status: criteria provided, single submitter. Criteria: Submitter's publication. Collection method: research. Allele origin: germline. Affected: yes.

Retina International
No classification provided. Review status: no classification provided. Collection method: not provided. Allele origin: not provided. Not counted in ClinVar's aggregate classification.